The following is an entry in ClinVar:

NM_003890.3(FCGBP):c.6120G>A (p.Ser2040=)

Gene: FCGBP (Fc gamma binding protein; minus strand). Cytogenetic location: 19q13.2.
Variant type: single nucleotide variant.
Coding change: c.6120G>A on transcript NM_003890.3 (MANE Select); coding-DNA position 6120, G replaced by A.
Protein change: p.Ser2040=; no amino-acid change (serine 2040 retained).
Molecular consequence: synonymous variant.
Identifiers: ClinVar variation 3905877 (VCV003905877.7).

ClinVar aggregate classification (germline): Likely benign (1 of 4 stars; one submission).

Submission:

CeGaT Center for Human Genetics Tuebingen
Classification: Likely benign. Last evaluated: 2025-05-01. Review status: criteria provided, single submitter. Criteria: CeGaT Center For Human Genetics Tuebingen Variant Classification Criteria Version 2. Collection method: clinical testing. Allele origin: germline. Affected: yes. Observed: 1 variant allele.
Comment: FCGBP: PM2:Supporting, BP4, BP7